The following is an entry in ClinVar:

NM_003072.5(SMARCA4):c.376G>C (p.Gly126Arg)

Gene: SMARCA4 (SWI/SNF related BAF chromatin remodeling complex subunit ATPase 4; plus strand). Cytogenetic location: 19p13.2.
Variant type: single nucleotide variant.
Coding change: c.376G>C on transcript NM_003072.5 (MANE Select); coding-DNA position 376, G replaced by C.
Protein change: p.Gly126Arg; replaces glycine 126 with arginine.
Molecular consequence: missense variant. On other transcripts: non-coding transcript variant (1).
Genome position (GRCh38, 1-based): chr19:10,986,209, G>C. VCF-style: chr19-10986209-G-C. GRCh37 (hg19) VCF-style: chr19-11096885-G-C.
Other names: c.376G>C, p.Gly126Arg (NM_001128845.2, NM_001128846.2, NM_001128847.4 and 6 more transcripts); short protein forms G126R.
Identifiers: ClinVar variation 2760809 (VCV002760809.3), dbSNP rs2145771652, ClinGen allele CA404055648.

ClinVar aggregate classification (germline): Uncertain significance (1 of 4 stars; one submission).

Conditions:
Rhabdoid tumor predisposition syndrome 2 (RTPS2). Identifiers: Orphanet 231108, Orphanet 69077, MedGen C2750074, MONDO:0013224, OMIM 613325.

Submission:

Labcorp Genetics (formerly Invitae), Labcorp
Classification: Uncertain significance for Rhabdoid tumor predisposition syndrome 2. Last evaluated: 2023-09-15. Review status: criteria provided, single submitter. Criteria: Invitae Variant Classification Sherloc (09022015). Collection method: clinical testing. Allele origin: germline.
Comment: This sequence change replaces glycine, which is neutral and non-polar, with arginine, which is basic and polar, at codon 126 of the SMARCA4 protein (p.Gly126Arg). This variant is not present in population databases (gnomAD no frequency). Advanced modeling of protein sequence and biophysical properties (such as structural, functional, and spatial information, amino acid conservation, physicochemical variation, residue mobility, and thermodynamic stability) performed at Invitae indicates that this missense variant is not expected to disrupt SMARCA4 protein function. This variant has not been reported in the literature in individuals affected with SMARCA4-related conditions. In summary, the available evidence is currently insufficient to determine the role of this variant in disease. Therefore, it has been classified as a Variant of Uncertain Significance.